The following is an entry in ClinVar:

NM_018367.7(ACER3):c.508T>C (p.Trp170Arg)

Gene: ACER3 (alkaline ceramidase 3; plus strand). Cytogenetic location: 11q13.5.
Variant type: single nucleotide variant.
Coding change: c.508T>C on transcript NM_018367.7 (MANE Select); coding-DNA position 508, T replaced by C.
Protein change: p.Trp170Arg; replaces tryptophan 170 with arginine.
Molecular consequence: missense variant.
Genome position (GRCh38, 1-based): chr11:77,015,026, T>C. VCF-style: chr11-77015026-T-C. GRCh37 (hg19) VCF-style: chr11-76726070-T-C.
Other names: c.397T>C, p.Trp133Arg (NM_001300953.2); c.223T>C, p.Trp75Arg (NM_001300954.2, NM_001300955.2); short protein forms W170R, W75R, W133R.
Identifiers: ClinVar variation 4700902 (VCV004700902.1).

ClinVar aggregate classification (germline): Uncertain significance (1 of 4 stars; one submission).

gnomAD v4.1: 2 of 1,594,566 alleles (0.00013%); highest among the groups gnomAD compares: Non-Finnish European, 0.00017%; no homozygotes.

Submission:

Labcorp Genetics (formerly Invitae), Labcorp
Classification: Uncertain significance. Last evaluated: 2025-06-25. Review status: criteria provided, single submitter. Criteria: Invitae Variant Classification Sherloc (09022015). Collection method: clinical testing. Allele origin: germline.
Comment: This sequence change replaces tryptophan, which is neutral and slightly polar, with arginine, which is basic and polar, at codon 170 of the ACER3 protein (p.Trp170Arg). This variant is not present in population databases (gnomAD no frequency). This variant has not been reported in the literature in individuals affected with ACER3-related conditions. Invitae Evidence Modeling of protein sequence and biophysical properties (such as structural, functional, and spatial information, amino acid conservation, physicochemical variation, residue mobility, and thermodynamic stability) indicates that this missense variant is not expected to disrupt ACER3 protein function with a negative predictive value of 80%. In summary, the available evidence is currently insufficient to determine the role of this variant in disease. Therefore, it has been classified as a Variant of Uncertain Significance.